The following is an entry in ClinVar:

NC_000015.10:g.(?_100261479)_(100262435_?)del

Gene: ADAMTS17 (ADAM metallopeptidase with thrombospondin type 1 motif 17; minus strand). Cytogenetic location: 15q26.3.
Variant type: Deletion.
Identifiers: ClinVar variation 831110 (VCV000831110.5).

ClinVar aggregate classification (germline): Pathogenic (1 of 4 stars; one submission).

Submission:

Labcorp Genetics (formerly Invitae), Labcorp
Classification: Pathogenic. Last evaluated: 2021-12-09. Review status: criteria provided, single submitter. Criteria: Invitae Variant Classification Sherloc (09022015). Collection method: clinical testing. Allele origin: germline.
Comment: For these reasons, this variant has been classified as Pathogenic. This variant has not been reported in the literature in individuals affected with ADAMTS17-related conditions. This variant is a gross deletion of the genomic region encompassing exon(s) 5-6 of the ADAMTS17 gene. This deletion is out-of-frame, and is expected to create a premature termination codon and result in an absent or disrupted protein product. Loss-of-function variants in ADAMTS17 are known to be pathogenic (PMID: 19836009, 24940034).

Literature cited by the submitters: PubMed 19836009; PubMed 24940034.